The following is an entry in ClinVar:

NM_000129.4(F13A1):c.1193G>A (p.Ser398Asn)

Gene: F13A1 (coagulation factor XIII A chain; minus strand). Cytogenetic location: 6p25.1.
Variant type: single nucleotide variant.
Coding change: c.1193G>A on transcript NM_000129.4 (MANE Select); coding-DNA position 1193, G replaced by A.
Protein change: p.Ser398Asn; replaces serine 398 with asparagine.
Molecular consequence: missense variant.
Genome position (GRCh38, 1-based): chr6:6,197,246, C>T on the plus strand (G>A on the coding strand, the complement: F13A1 is on the minus strand). VCF-style: chr6-6197246-C-T. GRCh37 (hg19) VCF-style: chr6-6197479-C-T.
Other names: p.Ser398Asn; short protein forms S398N.
Identifiers: ClinVar variation 4541102 (VCV004541102.1).

ClinVar aggregate classification (germline): Uncertain significance (1 of 4 stars; one submission).

gnomAD v4.1: 1 of 1,614,036 alleles (0.000062%); highest among the groups gnomAD compares: Non-Finnish European, 0.000085%; no homozygotes.

Submission:

Mayo Clinic Laboratories, Mayo Clinic
Classification: Uncertain significance. Last evaluated: 2024-10-30. Review status: criteria provided, single submitter. Criteria: ACMG Guidelines, 2015. Collection method: clinical testing. Allele origin: germline. Observed: 1 variant allele.
Comment: PM1, PM2_supporting

Literature cited by the submitters: PubMed 26852661.